The following is an entry in ClinVar:

ClinVar aggregate classification (germline): Likely benign (0 of 4 stars; one submission).

Conditions:
TTC12-related disorder. Also called: TTC12-related condition.

Allele frequency attached by ClinVar (database versions not stated): 1000 Genomes Project 0.00040; 1000 Genomes Project 30x 0.00047; gnomAD 0.00166; TOPMed 0.00189; ESP Exome Variant Server 0.00192.
gnomAD v4.1: 447 of 1,613,782 alleles (0.028%); highest among the groups gnomAD compares: African/African-American, 0.54%; 2 homozygotes.

Submission:

PreventionGenetics, part of Exact Sciences
Classification: Likely benign for TTC12-related condition. Last evaluated: 2023-10-18. Review status: no assertion criteria provided. Collection method: clinical testing. Allele origin: germline.
Comment: This variant is classified as likely benign based on ACMG/AMP sequence variant interpretation guidelines (Richards et al. 2015 PMID: 25741868, with internal and published modifications).

NM_017868.4(TTC12):c.2070T>C (p.His690=)

Gene: TTC12 (tetratricopeptide repeat domain 12; plus strand). Cytogenetic location: 11q23.2.
Variant type: single nucleotide variant.
Coding change: c.2070T>C on transcript NM_017868.4 (MANE Select); coding-DNA position 2070, T replaced by C.
Protein change: p.His690=; no amino-acid change (histidine 690 retained).
Molecular consequence: synonymous variant. On other transcripts: non-coding transcript variant (1).
Genome position (GRCh38, 1-based): chr11:113,366,252, T>C. VCF-style: chr11-113366252-T-C. GRCh37 (hg19) VCF-style: chr11-113236974-T-C.
Other names: c.2088T>C, p.His696= (NM_001318533.2); c.1995T>C, p.His665= (NM_001352037.2); c.2073T>C, p.His691= (NM_001378063.1); c.2070T>C, p.His690= (NM_001378064.1, NM_001378065.1).
Identifiers: ClinVar variation 3047617 (VCV003047617.2), dbSNP rs61744785, ClinGen allele CA6280398.